The following is an entry in ClinVar:

NM_001365536.1(SCN9A):c.4430A>T (p.Glu1477Val)

Genes: SCN1A-AS1 (SCN1A and SCN9A antisense RNA 1; plus strand), SCN9A (sodium voltage-gated channel alpha subunit 9; minus strand). Cytogenetic location: 2q24.3.
Variant type: single nucleotide variant.
Coding change: c.4430A>T on transcript NM_001365536.1 (MANE Select); coding-DNA position 4430, A replaced by T.
Protein change: p.Glu1477Val; replaces glutamic acid 1477 with valine.
Molecular consequence: missense variant.
Genome position (GRCh38, 1-based): chr2:166,204,433, T>A on the plus strand (A>T on the coding strand, the complement: SCN9A is on the minus strand). VCF-style: chr2-166204433-T-A. GRCh37 (hg19) VCF-style: chr2-167060943-T-A.
Other names: c.4397A>T, p.Glu1466Val (NM_002977.4); short protein forms E1466V, E1477V.
Identifiers: ClinVar variation 471131 (VCV000471131.9), dbSNP rs1553474386, ClinGen allele CA349058361.

ClinVar aggregate classification (germline): Uncertain significance (1 of 4 stars; one submission).

Conditions:
Neuropathy, hereditary sensory and autonomic, type 2A (HSAN2A). Also called: ACROOSTEOLYSIS, NEUROGENIC; ACROOSTEOLYSIS, GIACCAI TYPE; MORVAN DISEASE; NEUROPATHY, CONGENITAL SENSORY; NEUROPATHY, HEREDITARY SENSORY RADICULAR, AUTOSOMAL RECESSIVE; NEUROPATHY, HEREDITARY SENSORY, TYPE IIA. Identifiers: Orphanet 970, MedGen C2752089, MONDO:0024309, OMIM 201300.
Generalized epilepsy with febrile seizures plus, type 7 (GEFSP7). Also called: GEFS+, TYPE 7. Identifiers: Orphanet 36387, MedGen C2751778, MONDO:0013470, OMIM 613863.

Submission:

Labcorp Genetics (formerly Invitae), Labcorp
Classification: Uncertain significance for Neuropathy, hereditary sensory and autonomic, type 2A; Generalized epilepsy with febrile seizures plus, type 7. Last evaluated: 2023-05-10. Review status: criteria provided, single submitter. Criteria: Invitae Variant Classification Sherloc (09022015). Collection method: clinical testing. Allele origin: germline.
Comment: In summary, the available evidence is currently insufficient to determine the role of this variant in disease. Therefore, it has been classified as a Variant of Uncertain Significance. Advanced modeling of protein sequence and biophysical properties (such as structural, functional, and spatial information, amino acid conservation, physicochemical variation, residue mobility, and thermodynamic stability) has been performed at Invitae for this missense variant, however the output from this modeling did not meet the statistical confidence thresholds required to predict the impact of this variant on SCN9A protein function. ClinVar contains an entry for this variant (Variation ID: 471131). This variant has not been reported in the literature in individuals affected with SCN9A-related conditions. This variant is not present in population databases (gnomAD no frequency). This sequence change replaces glutamic acid, which is acidic and polar, with valine, which is neutral and non-polar, at codon 1466 of the SCN9A protein (p.Glu1466Val).